The following is an entry in ClinVar:

NM_014208.3(DSPP):c.3328G>A (p.Asp1110Asn)

Genes: DMP1-AS1 (DMP1 and DSPP antisense RNA 1; minus strand), DSPP (dentin sialophosphoprotein; plus strand). Cytogenetic location: 4q22.1.
Variant type: single nucleotide variant.
Coding change: c.3328G>A on transcript NM_014208.3 (MANE Select); coding-DNA position 3328, G replaced by A.
Protein change: p.Asp1110Asn; replaces aspartic acid 1110 with asparagine.
Molecular consequence: missense variant.
Genome position (GRCh38, 1-based): chr4:87,615,990, G>A. VCF-style: chr4-87615990-G-A. GRCh37 (hg19) VCF-style: chr4-88537142-G-A.
Other names: short protein forms D1110N.
Identifiers: ClinVar variation 3901833 (VCV003901833.1).

ClinVar aggregate classification (germline): Benign (1 of 4 stars; one submission).

Conditions:
Pulp calcification. Also called: Dental Pulp Stone; Pulp stones. Identifiers: Orphanet 1653, MedGen C1527284, HP:0003771. Disease mechanism: loss of function.

Submission:

Medical Genetics Laboratory, Niloo Shiraz Laboratory
Classification: Benign for Dentin dysplasia type II. Review status: criteria provided, single submitter. Criteria: ACMG Guidelines, 2015. Collection method: reference population. Allele origin: germline. Inheritance: Autosomal dominant inheritance. Affected: no.
Comment: The DSPP variant NM_014208.3:c.G3328A (p.Asp1110Asn) was observed in multiple individuals in our cohort, including unaffected ones. It also shows a relatively high allele frequency in both our local database (niloo_genome) and public datasets such as gnomAD, supporting the idea that this is a common polymorphism rather than a rare pathogenic variant. Furthermore, in silico prediction tools (e.g., CADD, REVEL, SIFT, PolyPhen-2) assign low pathogenicity scores, suggesting a limited functional impact. Based on this collective evidence and in accordance with the ACMG/AMP classification criteria, we have classified this variant as benign.